The following is an entry in ClinVar:

NM_025219.3(DNAJC5):c.493+22C>T

Gene: DNAJC5 (DnaJ heat shock protein family (Hsp40) member C5; plus strand). Cytogenetic location: 20q13.33.
Variant type: single nucleotide variant.
Coding change: c.493+22C>T on transcript NM_025219.3 (MANE Select); 22 bases into the intron after coding-DNA position 493, C replaced by T.
Molecular consequence: intron variant.
Genome position (GRCh38, 1-based): chr20:63,931,044, C>T. VCF-style: chr20-63931044-C-T. GRCh37 (hg19) VCF-style: chr20-62562397-C-T.
Identifiers: ClinVar variation 558993 (VCV000558993.7), dbSNP rs75028039, ClinGen allele CA9969762.
Genomic context (GRCh38, chr20:63,931,044, plus strand): 5'-CCGAGGATCTGGAGGCACAGCTGCAGTCTGACGAGAGGGGTGAGTGCCCGCCCCAGGGCC[C>T]GTGTGTGTGTGTGGGGCAGAGCCAGAATGGGCCCTGAATGGTGTCAACCTGTCTTGTCAA-3'

ClinVar aggregate classification (germline): Likely benign. Review status: criteria provided, multiple submitters, no conflicts (2 of 4 stars). 3 submissions from 3 submitters: Likely benign (2). 1 of the submissions does not count toward it. Last evaluated 2018-06-14.

Allele frequency attached by ClinVar (database versions not stated): 1000 Genomes Project 0.01238; TOPMed 0.02963; gnomAD 0.02977 and 0.03082; ESP Exome Variant Server 0.03222; gnomAD exomes 0.03334 and 0.03619; ExAC 0.03612.
gnomAD v4.1: 57,425 of 1,608,254 alleles (3.6%); highest among the groups gnomAD compares: Middle Eastern, 6.7%; 1,144 homozygotes.

Submissions (3):

GeneDx
Classification: Likely benign. Last evaluated: 2018-06-14. Review status: criteria provided, single submitter. Criteria: GeneDx Variant Classification (06012015). Collection method: clinical testing. Allele origin: germline. Affected: yes.
Comment: This variant is considered likely benign or benign based on one or more of the following criteria: it is a conservative change, it occurs at a poorly conserved position in the protein, it is predicted to be benign by multiple in silico algorithms, and/or has population frequency not consistent with disease.

Breakthrough Genomics
Classification: Likely benign. Review status: criteria provided, single submitter. Criteria: ACMG Guidelines, 2015. Collection method: not provided. Allele origin: germline. Inheritance: Autosomal dominant inheritance. Affected: yes.

Mayo Clinic Laboratories, Mayo Clinic
Classification: Likely benign. Last evaluated: 2017-03-16. Review status: no assertion criteria provided. Collection method: clinical testing. Allele origin: unknown. Not counted in ClinVar's aggregate classification.